The following is an entry in ClinVar:

NM_013336.4(SEC61A1):c.350A>G (p.Lys117Arg)

Gene: SEC61A1 (SEC61 translocon subunit alpha 1; plus strand). Cytogenetic location: 3q21.3.
Variant type: single nucleotide variant.
Coding change: c.350A>G on transcript NM_013336.4 (MANE Select); coding-DNA position 350, A replaced by G.
Protein change: p.Lys117Arg; replaces lysine 117 with arginine.
Molecular consequence: missense variant.
Genome position (GRCh38, 1-based): chr3:128,056,838, A>G. VCF-style: chr3-128056838-A-G. GRCh37 (hg19) VCF-style: chr3-127775681-A-G.
Other names: c.368A>G, p.Lys123Arg (NM_001400328.1); c.191A>G, p.Lys64Arg (NM_001400329.1); short protein forms K117R, K123R, K64R.
Identifiers: ClinVar variation 1718110 (VCV001718110.5), dbSNP rs1422683525, ClinGen allele CA354392091.
Genomic context (GRCh38, chr3:128,056,838, plus strand): 5'-CCAAGATAATTGAAGTTGGTGACACCCCAAAAGACCGAGCTCTCTTCAACGGAGCCCAAA[A>G]GTGTAAGAAAGATTGTGAATAATCTGATGTCTATAGTTGGAAAATTTGAATTTGCTATAA-3'
Protein context (NP_037468.1, residues 107-127): KDRALFNGAQ[Lys117Arg]LFGMIITIGQ

ClinVar aggregate classification (germline): Uncertain significance (1 of 4 stars; one submission).

Allele frequency attached by ClinVar (database versions not stated): gnomAD exomes 0.00001; gnomAD 0.00003; TOPMed 0.00005.
gnomAD v4.1: 8 of 1,573,770 alleles (0.00051%); highest among the groups gnomAD compares: Admixed American, 0.015%; no homozygotes.

Submission:

Labcorp Genetics (formerly Invitae), Labcorp
Classification: Uncertain significance. Last evaluated: 2022-07-18. Review status: criteria provided, single submitter. Criteria: Invitae Variant Classification Sherloc (09022015). Collection method: clinical testing. Allele origin: germline.
Comment: In summary, the available evidence is currently insufficient to determine the role of this variant in disease. Therefore, it has been classified as a Variant of Uncertain Significance. Algorithms developed to predict the effect of sequence changes on RNA splicing suggest that this variant may create or strengthen a splice site. Algorithms developed to predict the effect of missense changes on protein structure and function (SIFT, PolyPhen-2, Align-GVGD) all suggest that this variant is likely to be disruptive. This variant has not been reported in the literature in individuals affected with SEC61A1-related conditions. The frequency data for this variant in the population databases is considered unreliable, as metrics indicate poor data quality at this position in the gnomAD database. This sequence change replaces lysine, which is basic and polar, with arginine, which is basic and polar, at codon 117 of the SEC61A1 protein (p.Lys117Arg).